The following is an entry in ClinVar:

NM_000535.7(PMS2):c.2445+3A>G

Gene: PMS2 (PMS1 homolog 2, mismatch repair system component; minus strand). Cytogenetic location: 7p22.1.
Variant type: single nucleotide variant.
Coding change: c.2445+3A>G on transcript NM_000535.7 (MANE Select); 3 bases into the intron after coding-DNA position 2445, A replaced by G.
Molecular consequence: intron variant.
Genome position (GRCh38, 1-based): chr7:5,977,585, T>C on the plus strand (A>G on the coding strand, the complement: PMS2 is on the minus strand). VCF-style: chr7-5977585-T-C. GRCh37 (hg19) VCF-style: chr7-6017216-T-C.
Other names: c.2040+3A>G (NM_001406895.1, NM_001322004.2, NM_001406889.1 and 11 more transcripts); c.1674+3A>G (NM_001406911.1); c.1884+3A>G (NM_001322010.2, NM_001406906.1, NM_001406907.1); c.2136+3A>G (NM_001406879.1, NM_001322015.2, NM_001406880.1 and 4 more transcripts); c.1971+3A>G (NM_001406902.1, NM_001406901.1); c.2127+3A>G (NM_001406883.1, NM_001322007.2, NM_001322008.2); c.1932+3A>G (NM_001406904.1, NM_001406905.1); c.1872+3A>G (NM_001322013.2, NM_001406908.1, NM_001406909.1); and 20 more.
Identifiers: ClinVar variation 2805232 (VCV002805232.3), dbSNP rs765667554, ClinGen allele CA2713500314.
Genomic context (GRCh38, chr7:5,977,585, plus strand): 5'-CTGAGACCTTCCTCGACTGCAAGCTTGAGCAGCTGAGCTGACAGCCAGGCTTTCTTTACT[T>C]ACCGACTTCCGGCAGGCTCTGGAGGCAAACATCTGCTTGACTCGGGAAGGCCGGCACATG-3'

ClinVar aggregate classification (germline): Uncertain significance (1 of 4 stars; one submission).

Conditions:
Hereditary nonpolyposis colorectal neoplasms. Identifiers: MedGen C0009405, MeSH D003123.

Submission:

Labcorp Genetics (formerly Invitae), Labcorp
Classification: Uncertain significance for Hereditary nonpolyposis colorectal neoplasms. Last evaluated: 2022-09-09. Review status: criteria provided, single submitter. Criteria: Invitae Variant Classification Sherloc (09022015). Collection method: clinical testing. Allele origin: germline.
Comment: This sequence change falls in intron 14 of the PMS2 gene. It does not directly change the encoded amino acid sequence of the PMS2 protein. It affects a nucleotide within the consensus splice site. The frequency data for this variant in the population databases (gnomAD) is considered unreliable due to the presence of homologous sequence, such as pseudogenes or paralogs, in the genome. In summary, the available evidence is currently insufficient to determine the role of this variant in disease. Therefore, it has been classified as a Variant of Uncertain Significance. Variants that disrupt the consensus splice site are a relatively common cause of aberrant splicing (PMID: 17576681, 9536098). Algorithms developed to predict the effect of sequence changes on RNA splicing suggest that this variant is not likely to affect RNA splicing. This variant has not been reported in the literature in individuals affected with PMS2-related conditions.

Literature cited by the submitters: PubMed 17576681; PubMed 9536098.